The following is an entry in ClinVar:

NM_000038.6(APC):c.3286_3308del (p.Gln1096fs)

Gene: APC (APC regulator of Wnt signaling pathway; plus strand). Cytogenetic location: 5q22.2.
Variant type: Deletion.
Coding change: c.3286_3308del on transcript NM_000038.6 (MANE Select); coding-DNA positions 3286 to 3308, 23 bases deleted (CAGGAATGTGTTTCTCCATACAG).
Protein change: p.Gln1096fs; shifts the reading frame from glutamine 1096.
Molecular consequence: frameshift variant. On other transcripts: non-coding transcript variant (2).
Genome position (GRCh38, 1-based): chr5:112,838,880-112,838,902, CAGGAATGTGTTTCTCCATACAG deleted; deleting any 23 consecutive bases within chr5:112,838,876-112,838,902 gives the same sequence; the c. name uses the placement nearest the transcript's 3' end. VCF-style (leftmost placement, unchanged base first): chr5-112838875-GACAGCAGGAATGTGTTTCTCCAT-G. GRCh37 (hg19) VCF-style: chr5-112174572-GACAGCAGGAATGTGTTTCTCCAT-G.
Other names: c.3286_3308del, p.Gln1096fs (NM_001127510.3, NM_001354895.2, NM_001407450.1); c.3232_3254del, p.Gln1078fs (NM_001127511.3); c.3340_3362del, p.Gln1114fs (NM_001354896.2, NM_001407447.1, NM_001407448.1 and 1 more transcripts); c.3316_3338del, p.Gln1106fs (NM_001354897.2); c.3211_3233del, p.Gln1071fs (NM_001354898.2); c.3202_3224del, p.Gln1068fs (NM_001354899.2); c.3163_3185del, p.Gln1055fs (NM_001354900.2); c.3109_3131del, p.Gln1037fs (NM_001354901.2, NM_001407453.1); and 11 more; short protein forms Q1005fs, Q1013fs, Q1037fs, Q1055fs, Q1068fs, Q1071fs, Q1078fs, Q1086fs.
Identifiers: ClinVar variation 2584294 (VCV002584294.1), dbSNP rs2533486127, ClinGen allele CA2582341502.

ClinVar aggregate classification (germline): Pathogenic (1 of 4 stars; one submission).

Conditions:
Familial adenomatous polyposis 1 (FAP1). Also called: FAMILIAL ADENOMATOUS POLYPOSIS 1, ATTENUATED; POLYPOSIS, ADENOMATOUS INTESTINAL. Identifiers: MedGen C2713442, MONDO:0021056, OMIM 175100. Disease mechanism: loss of function.

Submission:

Myriad Genetics, Inc.
Classification: Pathogenic for Familial adenomatous polyposis 1. Last evaluated: 2023-05-08. Review status: criteria provided, single submitter. Criteria: Myriad Autosomal Dominant, Autosomal Recessive and X-Linked Classification Criteria (2023). Collection method: clinical testing. Allele origin: unknown.
Comment: This variant is considered pathogenic. This variant creates a frameshift predicted to result in premature protein truncation.